The following is an entry in ClinVar:

ClinVar aggregate classification (germline): Pathogenic/Likely pathogenic. Review status: criteria provided, multiple submitters, no conflicts (2 of 4 stars). 2 submissions from 2 submitters: Pathogenic (1); Likely pathogenic (1). Last evaluated 2021-12-18.

Conditions:
Long chain 3-hydroxyacyl-CoA dehydrogenase deficiency. Also called: Deficiency of long-chain 3-hydroxyacyl-coenzyme A dehydrogenase; LCHAD Deficiency. Identifiers: Orphanet 5, MedGen C3711645, MONDO:0012173, OMIM 609016.
Mitochondrial trifunctional protein deficiency. Identifiers: Orphanet 746, MedGen C1969443, MONDO:0012172.

Submissions (2):

Labcorp Genetics (formerly Invitae), Labcorp
Classification: Pathogenic for Mitochondrial trifunctional protein deficiency; Long chain 3-hydroxyacyl-CoA dehydrogenase deficiency. Last evaluated: 2021-12-18. Review status: criteria provided, single submitter. Criteria: Invitae Variant Classification Sherloc (09022015). Collection method: clinical testing. Allele origin: germline.
Comment: For these reasons, this variant has been classified as Pathogenic. ClinVar contains an entry for this variant (Variation ID: 1163205). This variant has not been reported in the literature in individuals affected with HADHA-related conditions. This variant is not present in population databases (gnomAD no frequency). This sequence change creates a premature translational stop signal (p.Lys390*) in the HADHA gene. It is expected to result in an absent or disrupted protein product. Loss-of-function variants in HADHA are known to be pathogenic (PMID: 7738175, 21103935, 21549624, 22459206).

Mayo Clinic Laboratories, Mayo Clinic
Classification: Likely pathogenic. Last evaluated: 2019-10-20. Review status: criteria provided, single submitter. Criteria: ACMG Guidelines, 2015. Collection method: clinical testing. Allele origin: germline. Observed: 1 variant allele.
Comment: PVS1, PM2

Literature cited by the submitters: PubMed 7738175 (cited by Labcorp Genetics (formerly Invitae), Labcorp); PubMed 21103935 (cited by Labcorp Genetics (formerly Invitae), Labcorp); PubMed 21549624 (cited by Labcorp Genetics (formerly Invitae), Labcorp); PubMed 22459206 (cited by Labcorp Genetics (formerly Invitae), Labcorp).

NM_000182.5(HADHA):c.1167dup (p.Lys390Ter)

Genes: GAREM2 (GRB2 associated regulator of MAPK1 subtype 2; plus strand), HADHA (hydroxyacyl-CoA dehydrogenase trifunctional multienzyme complex subunit alpha; minus strand). Cytogenetic location: 2p23.3.
Variant type: Duplication.
Coding change: c.1167dup on transcript NM_000182.5 (MANE Select); coding-DNA position 1167, one base duplicated (T; older notation c.1167dupT).
Protein change: p.Lys390Ter; replaces lysine 390 with a stop codon.
Molecular consequence: nonsense.
Genome position (GRCh38, 1-based): chr2:26,204,115, A duplicated on the plus strand (T on the coding strand, the reverse complement: HADHA is on the minus strand); the first of 2 consecutive A bases (chr2:26,204,115-26,204,116); duplicating either gives the same sequence. VCF-style (leftmost placement, unchanged base first): chr2-26204114-T-TA. GRCh37 (hg19) VCF-style: chr2-26426983-T-TA.
Other names: short protein forms K390*.
Identifiers: ClinVar variation 1163205 (VCV001163205.9), dbSNP rs2147762308, ClinGen allele CA2499215829.